The following is an entry in ClinVar:

NM_000090.4(COL3A1):c.4126A>G (p.Ile1376Val)

Gene: COL3A1 (collagen type III alpha 1 chain; plus strand). Cytogenetic location: 2q32.2.
Variant type: single nucleotide variant.
Coding change: c.4126A>G on transcript NM_000090.4 (MANE Select); coding-DNA position 4126, A replaced by G.
Protein change: p.Ile1376Val; replaces isoleucine 1376 with valine.
Molecular consequence: missense variant.
Genome position (GRCh38, 1-based): chr2:189,010,762, A>G. VCF-style: chr2-189010762-A-G. GRCh37 (hg19) VCF-style: chr2-189875488-A-G.
Other names: short protein forms I1376V.
Identifiers: ClinVar variation 3709695 (VCV003709695.2).
Genomic context (GRCh38, chr2:189,010,762, plus strand): 5'-TTCCTTCGACTTCTCTCCAGCCGAGCTTCCCAGAACATCACATATCACTGCAAAAATAGC[A>G]TTGCATACATGGATCAGGCCAGTGGAAATGTAAAGAAGGCCCTGAAGCTGATGGGGTCAA-3'
Protein context (NP_000081.2, residues 1366-1386): QNITYHCKNS[Ile1376Val]AYMDQASGNV

ClinVar aggregate classification (germline): Uncertain significance (1 of 4 stars; one submission).

Conditions:
Ehlers-Danlos syndrome, type 4 (EDSVASC). Also called: Ehlers-Danlos syndrome vascular type; Ehlers Danlos syndrome, ecchymotic type; Ehlers Danlos syndrome, arterial type; Ehlers Danlos syndrome, Sack-Barabas type; Ehlers-Danlos Syndrome Type IV. Identifiers: Orphanet 286, MedGen C0268338, MONDO:0017314, OMIM 130050.

gnomAD v4.1: 4 of 1,614,038 alleles (0.00025%); highest among the groups gnomAD compares: African/African-American, 0.0013%; no homozygotes.

Submission:

Labcorp Genetics (formerly Invitae), Labcorp
Classification: Uncertain significance for Ehlers-Danlos syndrome, type 4. Last evaluated: 2024-11-26. Review status: criteria provided, single submitter. Criteria: Invitae Variant Classification Sherloc (09022015). Collection method: clinical testing. Allele origin: germline.
Comment: This sequence change replaces isoleucine, which is neutral and non-polar, with valine, which is neutral and non-polar, at codon 1376 of the COL3A1 protein (p.Ile1376Val). This variant is present in population databases (no rsID available, gnomAD 0.01%). This variant has not been reported in the literature in individuals affected with COL3A1-related conditions. Invitae Evidence Modeling of protein sequence and biophysical properties (such as structural, functional, and spatial information, amino acid conservation, physicochemical variation, residue mobility, and thermodynamic stability) indicates that this missense variant is not expected to disrupt COL3A1 protein function with a negative predictive value of 95%. In summary, the available evidence is currently insufficient to determine the role of this variant in disease. Therefore, it has been classified as a Variant of Uncertain Significance.